The following is an entry in ClinVar:

ClinVar aggregate classification (germline): Uncertain significance (1 of 4 stars; one submission).

Submission:

Ambry Genetics
Classification: Uncertain significance. Last evaluated: 2021-11-17. Review status: criteria provided, single submitter. Criteria: Ambry Variant Classification Scheme 2023. Collection method: clinical testing. Allele origin: germline.
Comment: The p.E447K variant (also known as c.1339G>A), located in coding exon 13 of the KIF1B gene, results from a G to A substitution at nucleotide position 1339. The glutamic acid at codon 447 is replaced by lysine, an amino acid with similar properties. This amino acid position is highly conserved in available vertebrate species. In addition, this alteration is predicted to be deleterious by in silico analysis. Since supporting evidence is limited at this time, the clinical significance of this alteration remains unclear.

NM_001365951.3(KIF1B):c.1477G>A (p.Glu493Lys)

Gene: KIF1B (kinesin family member 1B; plus strand). Cytogenetic location: 1p36.22.
Variant type: single nucleotide variant.
Coding change: c.1477G>A on transcript NM_001365951.3 (MANE Select); coding-DNA position 1477, G replaced by A.
Protein change: p.Glu493Lys; replaces glutamic acid 493 with lysine.
Molecular consequence: missense variant.
Genome position (GRCh38, 1-based): chr1:10,291,124, G>A. VCF-style: chr1-10291124-G-A. GRCh37 (hg19) VCF-style: chr1-10351182-G-A.
Other names: c.1477G>A, p.Glu493Lys (NM_001365952.1); c.1339G>A, p.Glu447Lys (NM_001365953.1, NM_015074.3, NM_183416.4); short protein forms E447K, E493K.
Identifiers: ClinVar variation 1770302 (VCV001770302.2), dbSNP rs2521348341, ClinGen allele CA338313039.